The following is an entry in ClinVar:

NM_001458.5(FLNC):c.2611A>G (p.Lys871Glu)

Gene: FLNC (filamin C; plus strand). Cytogenetic location: 7q32.1.
Variant type: single nucleotide variant.
Coding change: c.2611A>G on transcript NM_001458.5 (MANE Select); coding-DNA position 2611, A replaced by G.
Protein change: p.Lys871Glu; replaces lysine 871 with glutamic acid.
Molecular consequence: missense variant.
Genome position (GRCh38, 1-based): chr7:128,843,289, A>G. VCF-style: chr7-128843289-A-G. GRCh37 (hg19) VCF-style: chr7-128483343-A-G.
Other names: c.2611A>G, p.Lys871Glu (NM_001127487.2); short protein forms K871E.
Identifiers: ClinVar variation 3762262 (VCV003762262.6).
Genomic context (GRCh38, chr7:128,843,289, plus strand): 5'-GAGATCCCCGCCAGCCCCTTCCACATCAAGGTGGACCCATCCCACGATGCCAGCAAAGTC[A>G]AGGCCGAGGGCCCTGGGCTGAATCGCACAGGTGAGTGTCTGGGCAGGGGCTGGGACTGGC-3'
Protein context (NP_001449.3, residues 861-881): VDPSHDASKV[Lys871Glu]AEGPGLNRTG

ClinVar aggregate classification (germline): Uncertain significance. Review status: criteria provided, multiple submitters, no conflicts (2 of 4 stars). 4 submissions from 4 submitters: Uncertain significance (4). Last evaluated 2026-03-26.

Conditions:
Myofibrillar myopathy 5. Also called: Filaminopathy (type); FILAMINOPATHY, AUTOSOMAL DOMINANT. Identifiers: Orphanet 171445, MedGen C1836050, MONDO:0012289, OMIM 609524.
Distal myopathy with posterior leg and anterior hand involvement. Also called: WILLIAMS DISTAL MYOPATHY. Identifiers: Orphanet 63273, MedGen C3279722, MONDO:0013550, OMIM 614065.
Hypertrophic cardiomyopathy 26. Also called: Cardiomyopathy, familial hypertrophic, 26. Identifiers: Orphanet 75249, MedGen C4310749, MONDO:0014883, OMIM 617047.
FLNC-related disorder. Also called: FLNC-related condition; FLNC-related disorders.
Cardiovascular phenotype. Identifiers: MedGen CN230736.

gnomAD v4.1: 2 of 1,612,494 alleles (0.00012%); highest among the groups gnomAD compares: African/African-American, 0.0027%; no homozygotes.

Submissions (4):

PreventionGenetics, part of Exact Sciences
Classification: Uncertain significance for FLNC-related condition. Last evaluated: 2026-03-26. Review status: criteria provided, single submitter. Criteria: ACMG Guidelines, 2015. Collection method: clinical testing. Allele origin: germline.
Comment: The FLNC c.2611A>G variant is predicted to result in the amino acid substitution p.Lys871Glu. To our knowledge, this variant has not been reported in the literature or in a large population database (gnomAD), indicating this variant is rare. At this time, the clinical significance of this variant is uncertain due to the absence of conclusive functional and genetic evidence.

Ambry Genetics
Classification: Uncertain significance for Cardiovascular phenotype. Last evaluated: 2025-12-10. Review status: criteria provided, single submitter. Criteria: Ambry Variant Classification Scheme 2023. Collection method: clinical testing. Allele origin: germline.
Comment: The p.K871E variant (also known as c.2611A>G), located in coding exon 17 of the FLNC gene, results from an A to G substitution at nucleotide position 2611. The lysine at codon 871 is replaced by glutamic acid, an amino acid with similar properties. This amino acid position is conserved. In addition, the in silico prediction for this alteration is inconclusive. Based on the available evidence, the clinical significance of this variant remains unclear.

Labcorp Genetics (formerly Invitae), Labcorp
Classification: Uncertain significance for Distal myopathy with posterior leg and anterior hand involvement; Myofibrillar myopathy 5; Hypertrophic cardiomyopathy 26. Last evaluated: 2025-11-12. Review status: criteria provided, single submitter. Criteria: Invitae Variant Classification Sherloc (09022015). Collection method: clinical testing. Allele origin: germline.
Comment: This sequence change replaces lysine, which is basic and polar, with glutamic acid, which is acidic and polar, at codon 871 of the FLNC protein (p.Lys871Glu). This variant is not present in population databases (gnomAD no frequency). This variant has not been reported in the literature in individuals affected with FLNC-related conditions. ClinVar contains an entry for this variant (Variation ID: 3762262). Invitae Evidence Modeling of protein sequence and biophysical properties (such as structural, functional, and spatial information, amino acid conservation, physicochemical variation, residue mobility, and thermodynamic stability) has been performed for this missense variant. However, the output from this modeling did not meet the statistical confidence thresholds required to predict the impact of this variant on FLNC protein function. In summary, the available evidence is currently insufficient to determine the role of this variant in disease. Therefore, it has been classified as a Variant of Uncertain Significance.

GeneDx
Classification: Uncertain significance. Last evaluated: 2025-01-21. Review status: criteria provided, single submitter. Criteria: GeneDx Variant Classification Process June 2021. Collection method: clinical testing. Allele origin: germline. Affected: yes.
Comment: Not observed at significant frequency in large population cohorts (gnomAD); In silico analysis supports that this missense variant has a deleterious effect on protein structure/function; Has not been previously published as pathogenic or benign to our knowledge